The following is an entry in ClinVar:

ClinVar aggregate classification (germline): Benign. Review status: criteria provided, multiple submitters, no conflicts (2 of 4 stars). 2 submissions from 2 submitters: Benign (2). Last evaluated 2026-01-09.

Conditions:
Nicolaides-Baraitser syndrome (NCBRS). Also called: SMARCA2-Related Nicolaides-Baraitser Syndrome; Intellectual disability-sparse hair-brachydactyly syndrome. Identifiers: Orphanet 3051, MedGen C1303073, MONDO:0011053, OMIM 601358.

Allele frequency attached by ClinVar (database versions not stated): gnomAD 0.00001 and 0.00003; TOPMed 0.00003; gnomAD exomes 0.00013; ExAC 0.00016.
gnomAD v4.1: 169 of 1,614,016 alleles (0.01%); highest among the groups gnomAD compares: East Asian, 0.37%; 1 homozygote.

Submissions (2):

Labcorp Genetics (formerly Invitae), Labcorp
Classification: Benign. Last evaluated: 2026-01-09. Review status: criteria provided, single submitter. Criteria: Invitae Variant Classification Sherloc (09022015). Collection method: clinical testing. Allele origin: germline.

Illumina Laboratory Services, Illumina
Classification: Benign for Nicolaides-Baraitser syndrome. Last evaluated: 2018-01-13. Review status: criteria provided, single submitter. Criteria: ICSL Variant Classification Criteria 13 December 2019. Collection method: clinical testing. Allele origin: germline.
Comment: This variant was observed in the ICSL laboratory as part of a predisposition screen in an ostensibly healthy population. It had not been previously curated by ICSL or reported in the Human Gene Mutation Database (HGMD: prior to June 1st, 2018), and was therefore a candidate for classification through an automated scoring system. Utilizing variant allele frequency, disease prevalence and penetrance estimates, and inheritance mode, an automated score was calculated to assess if this variant is too frequent to cause the disease. Based on the score and internal cut-off values, a variant classified as benign is not then subjected to further curation. The score for this variant resulted in a classification of benign for this disease.

NM_003070.5(SMARCA2):c.1877+9T>A

Gene: SMARCA2 (SWI/SNF related BAF chromatin remodeling complex subunit ATPase 2; plus strand). Cytogenetic location: 9p24.3.
Variant type: single nucleotide variant.
Coding change: c.1877+9T>A on transcript NM_003070.5 (MANE Select); 9 bases into the intron after coding-DNA position 1877, T replaced by A.
Molecular consequence: intron variant.
Genome position (GRCh38, 1-based): chr9:2,073,351, T>A. VCF-style: chr9-2073351-T-A. GRCh37 (hg19) VCF-style: chr9-2073351-T-A.
Other names: c.1877+9T>A (NM_139045.4, NM_001289397.2, NM_001289396.2).
Identifiers: ClinVar variation 366209 (VCV000366209.7), dbSNP rs760917036, ClinGen allele CA4963289.
Genomic context (GRCh38, chr9:2,073,351, plus strand): 5'-CAGAAGCACCCAAAGCAAGTCAGCTGGACGCCTGGCTGGAAATGAATCCTGGGTAAGGCA[T>A]GAAAGCAGCGTTCATGGTGTTCTTTTAGCTTTTTAGATTTTGGTAATCTTGTACGATCTC-3'